The following is an entry in ClinVar:

NM_001367834.3(ZSWIM4):c.2616C>T (p.Ala872=)

Gene: ZSWIM4 (zinc finger SWIM-type containing 4; plus strand). Cytogenetic location: 19p13.12.
Variant type: single nucleotide variant.
Coding change: c.2616C>T on transcript NM_001367834.3 (MANE Select); coding-DNA position 2616, C replaced by T.
Protein change: p.Ala872=; no amino-acid change (alanine 872 retained).
Molecular consequence: synonymous variant.
Genome position (GRCh38, 1-based): chr19:13,830,345, C>T. VCF-style: chr19-13830345-C-T. GRCh37 (hg19) VCF-style: chr19-13941159-C-T.
Other names: c.2265C>T, p.Ala755= (NM_023072.3).
Identifiers: ClinVar variation 2649400 (VCV002649400.24), dbSNP rs147053253, ClinGen allele CA9243018.

ClinVar aggregate classification (germline): Likely benign (1 of 4 stars; one submission).

Allele frequency attached by ClinVar (database versions not stated): 1000 Genomes Project 30x 0.00187; 1000 Genomes Project 0.00200; ESP Exome Variant Server 0.00292; TOPMed 0.00306; ExAC 0.00317; gnomAD 0.00348; gnomAD exomes 0.00385.
gnomAD v4.1: 6,088 of 1,613,326 alleles (0.38%); highest among the groups gnomAD compares: Non-Finnish European, 0.46%; 29 homozygotes.

Submission:

CeGaT Center for Human Genetics Tuebingen
Classification: Likely benign. Last evaluated: 2023-01-01. Review status: criteria provided, single submitter. Criteria: CeGaT Center For Human Genetics Tuebingen Variant Classification Criteria Version 2. Collection method: clinical testing. Allele origin: germline. Affected: yes. Observed: 1 variant allele.
Comment: ZSWIM4: BP4, BP7, BS2